The following is an entry in ClinVar:

NM_000203.5(IDUA):c.751dup (p.Glu251fs)

Gene: IDUA (alpha-L-iduronidase; plus strand). Cytogenetic location: 4p16.3.
Variant type: Duplication.
Coding change: c.751dup on transcript NM_000203.5 (MANE Select); coding-DNA position 751, one base duplicated (G; older notation c.751dupG).
Protein change: p.Glu251fs; shifts the reading frame from glutamic acid 251.
Molecular consequence: frameshift variant. On other transcripts: non-coding transcript variant (1).
Genome position (GRCh38, 1-based): chr4:1,001,840, G duplicated; the last of 4 consecutive G bases (chr4:1,001,837-1,001,840); duplicating any one gives the same sequence. VCF-style (leftmost placement, unchanged base first): chr4-1001836-T-TG. GRCh37 (hg19) VCF-style: chr4-995624-T-TG.
Other names: c.355dup, p.Glu119fs (NM_001363576.1); short protein forms E119fs, E251fs.
Identifiers: ClinVar variation 1724557 (VCV001724557.2), dbSNP rs2534085607, ClinGen allele CA2580070656.

ClinVar aggregate classification (germline): Likely pathogenic (1 of 4 stars; one submission).

Conditions:
Mucopolysaccharidosis, MPS-I-H/S. Also called: Mucopolysaccharidosis type IH/S. Identifiers: Orphanet 93476, MedGen C0086431, MONDO:0011759, OMIM 607015.

Submission:

Myriad Genetics, Inc.
Classification: Likely pathogenic for Mucopolysaccharidosis, MPS-I-H/S. Last evaluated: 2022-02-19. Review status: criteria provided, single submitter. Criteria: Myriad Women's Health Autosomal Recessive and X-Linked Classification Criteria (2021). Collection method: clinical testing. Allele origin: unknown.
Comment: NM_000203.3(IDUA):c.751dupG(E251Gfs*148) is expected to be pathogenic in the context of mucopolysaccharidosis type I. This variant is predicted to lead to an abnormal or absent protein product due to the creation of a premature termination codon in IDUA, a gene where loss-of-function variants are known to be pathogenic. Please note: this variant was assessed in the context of healthy population screening.